The following is an entry in ClinVar:

NM_078470.6(COX15):c.*1159A>G

Gene: COX15 (cytochrome c oxidase assembly factor COX15; minus strand). Cytogenetic location: 10q24.2.
Variant type: single nucleotide variant.
Coding change: c.*1159A>G on transcript NM_078470.6 (MANE Select); 1159 bases downstream of the stop codon, A replaced by G.
Molecular consequence: 3 prime UTR variant. On other transcripts: missense variant (1), non-coding transcript variant (1), intron variant (1).
Genome position (GRCh38, 1-based): chr10:99,713,428, T>C on the plus strand (A>G on the coding strand, the complement: COX15 is on the minus strand). VCF-style: chr10-99713428-T-C. GRCh37 (hg19) VCF-style: chr10-101473185-T-C.
Other names: c.*1340A>G (NM_001320975.2); c.*1159A>G (NM_001320976.2, NM_001372025.1, NM_001372026.1); c.*378A>G (NM_001372024.1); c.*1263A>G (NM_001372027.1); c.*586A>G (NM_001372028.1); c.1153A>G, p.Ile385Val (NM_004376.7); c.1101+2920A>G (NM_001320974.2); short protein forms I385V.
Identifiers: ClinVar variation 4769264 (VCV004769264.2).

ClinVar aggregate classification (germline): Uncertain significance. Review status: criteria provided, multiple submitters, no conflicts (2 of 4 stars). 2 submissions from 2 submitters: Uncertain significance (2). Last evaluated 2025-04-19.

gnomAD v4.1: 3 of 1,613,894 alleles (0.00019%); highest among the groups gnomAD compares: Non-Finnish European, 0.00025%; no homozygotes.

Submissions (2):

Labcorp Genetics (formerly Invitae), Labcorp
Classification: Uncertain significance. Last evaluated: 2025-04-19. Review status: criteria provided, single submitter. Criteria: Invitae Variant Classification Sherloc (09022015). Collection method: clinical testing. Allele origin: germline.
Comment: This sequence change replaces isoleucine, which is neutral and non-polar, with valine, which is neutral and non-polar, at codon 385 of the COX15 protein (p.Ile385Val). This variant is not present in population databases (gnomAD no frequency). This variant has not been reported in the literature in individuals affected with COX15-related conditions. An algorithm developed to predict the effect of missense changes on protein structure and function (PolyPhen-2) suggests that this variant is likely to be tolerated. In summary, the available evidence is currently insufficient to determine the role of this variant in disease. Therefore, it has been classified as a Variant of Uncertain Significance.

Blueprint Genetics
Classification: Uncertain significance. Last evaluated: 2020-12-28. Review status: criteria provided, single submitter. Criteria: ACMG Guidelines, 2015. Collection method: clinical testing. Allele origin: germline.